The following is an entry in ClinVar:

NM_001172509.2(SATB2):c.334G>A (p.Ala112Thr)

Gene: SATB2 (SATB homeobox 2; minus strand). Cytogenetic location: 2q33.1.
Variant type: single nucleotide variant.
Coding change: c.334G>A on transcript NM_001172509.2 (MANE Select); coding-DNA position 334, G replaced by A.
Protein change: p.Ala112Thr; replaces alanine 112 with threonine.
Molecular consequence: missense variant. On other transcripts: non-coding transcript variant (1).
Genome position (GRCh38, 1-based): chr2:199,433,350, C>T on the plus strand (G>A on the coding strand, the complement: SATB2 is on the minus strand). VCF-style: chr2-199433350-C-T. GRCh37 (hg19) VCF-style: chr2-200298073-C-T.
Other names: c.334G>A, p.Ala112Thr (NM_001172517.1, NM_015265.4); short protein forms A112T.
Identifiers: ClinVar variation 1693293 (VCV001693293.3), dbSNP rs2105928809, ClinGen allele CA350386638.

ClinVar aggregate classification (germline): Uncertain significance (1 of 4 stars; one submission).

Conditions:
SATB2 associated disorder. Identifiers: Orphanet 576278, MedGen CN294806, MONDO:0100147.

Submission:

Illumina Laboratory Services, Illumina
Classification: Uncertain significance for SATB2 associated disorder. Last evaluated: 2022-02-15. Review status: criteria provided, single submitter. Criteria: ICSLVariantClassificationCriteria RUGD 01 April 2020. Collection method: clinical testing. Allele origin: unknown.
Comment: The SATB2 c.334G>A (p.Ala112Thr) missense variant results in the substitution of alanine at amino acid position 112 with threonine. To our knowledge, this variant has not been reported in the peer-reviewed literature. This variant is not found in version 2.1.1 or version 3.1.2 of the Genome Aggregation Database. This variant was identified in a de novo state. Based on the available evidence, the c.334G>A (p.Ala112Thr) variant is classified as a variant of uncertain significance for SATB2-associated syndrome.